The following is an entry in ClinVar:

NM_006431.3(CCT2):c.526A>C (p.Lys176Gln)

Gene: CCT2 (chaperonin containing TCP1 subunit 2; plus strand). Cytogenetic location: 12q15.
Variant type: single nucleotide variant.
Coding change: c.526A>C on transcript NM_006431.3 (MANE Select); coding-DNA position 526, A replaced by C.
Protein change: p.Lys176Gln; replaces lysine 176 with glutamine.
Molecular consequence: missense variant.
Genome position (GRCh38, 1-based): chr12:69,589,564, A>C. VCF-style: chr12-69589564-A-C. GRCh37 (hg19) VCF-style: chr12-69983344-A-C.
Other names: c.385A>C, p.Lys129Gln (NM_001198842.2); c.526A>C (NM_006431.2); short protein forms K176Q, K129Q.
Identifiers: ClinVar variation 1408485 (VCV001408485.9), dbSNP rs377377290, ClinGen allele CA239119049.
Genomic context (GRCh38, chr12:69,589,564, plus strand): 5'-CGTCAAGATTTAATGAATATTGCGGGCACAACATTATCCTCAAAACTTCTTACTCATCAC[A>C]AAGACCACTTTACAAAGTTAGCTGTAGAAGCAGTTCTCAGACTGAAAGGCTCTGGCAACC-3'
Protein context (NP_006422.1, residues 166-186): TLSSKLLTHH[Lys176Gln]DHFTKLAVEA

ClinVar aggregate classification (germline): Uncertain significance. Review status: criteria provided, multiple submitters, no conflicts (2 of 4 stars). 2 submissions from 2 submitters: Uncertain significance (2). Last evaluated 2026-01-14.

Allele frequency attached by ClinVar (database versions not stated): gnomAD exomes below 0.00001 and 0.00001; gnomAD 0.00002.
gnomAD v4.1: 23 of 1,613,998 alleles (0.0014%); highest among the groups gnomAD compares: East Asian, 0.0089%; no homozygotes.

Submissions (2):

Labcorp Genetics (formerly Invitae), Labcorp
Classification: Uncertain significance. Last evaluated: 2026-01-14. Review status: criteria provided, single submitter. Criteria: Invitae Variant Classification Sherloc (09022015). Collection method: clinical testing. Allele origin: germline.
Comment: This sequence change replaces lysine, which is basic and polar, with glutamine, which is neutral and polar, at codon 176 of the CCT2 protein (p.Lys176Gln). This variant is present in population databases (rs377377290, gnomAD 0.01%). This variant has not been reported in the literature in individuals affected with CCT2-related conditions. ClinVar contains an entry for this variant (Variation ID: 1408485). An algorithm developed to predict the effect of missense changes on protein structure and function (PolyPhen-2) suggests that this variant is likely to be tolerated. In summary, the available evidence is currently insufficient to determine the role of this variant in disease. Therefore, it has been classified as a Variant of Uncertain Significance.

Ambry Genetics
Classification: Uncertain significance. Last evaluated: 2023-02-28. Review status: criteria provided, single submitter. Criteria: Ambry Variant Classification Scheme 2023. Collection method: clinical testing. Allele origin: germline.